The following is an entry in ClinVar:

NM_001267550.2(TTN):c.11311+1805T>G

Gene: TTN (titin; minus strand). Cytogenetic location: 2q31.2.
Variant type: single nucleotide variant.
Coding change: c.11311+1805T>G on transcript NM_001267550.2 (MANE Select); 1805 bases into the intron after coding-DNA position 11311, T replaced by G.
Molecular consequence: intron variant. On other transcripts: missense variant (1).
Genome position (GRCh38, 1-based): chr2:178,751,319, A>C on the plus strand (T>G on the coding strand, the complement: TTN is on the minus strand). VCF-style: chr2-178751319-A-C. GRCh37 (hg19) VCF-style: chr2-179616046-A-C.
Other names: c.11081T>G, p.Leu3694Arg (NM_133379.5); c.10222+1805T>G (NM_003319.4); c.10798+1805T>G (NM_133437.4); c.10597+1805T>G (NM_133432.3); c.10360+1805T>G (NM_133378.4, NM_001256850.1); short protein forms L3694R.
Identifiers: ClinVar variation 3898561 (VCV003898561.7).

ClinVar aggregate classification (germline): Uncertain significance (1 of 4 stars; one submission).

Submission:

CeGaT Center for Human Genetics Tuebingen
Classification: Uncertain significance. Last evaluated: 2025-04-01. Review status: criteria provided, single submitter. Criteria: CeGaT Center For Human Genetics Tuebingen Variant Classification Criteria Version 2. Collection method: clinical testing. Allele origin: germline. Affected: yes. Observed: 1 variant allele.
Comment: TTN: PM2, BP4